The following is an entry in ClinVar:

NM_032043.3(BRIP1):c.3534A>C (p.Glu1178Asp)

Gene: BRIP1 (BRCA1 interacting DNA helicase 1; minus strand). Cytogenetic location: 17q23.2.
Variant type: single nucleotide variant.
Coding change: c.3534A>C on transcript NM_032043.3 (MANE Select); coding-DNA position 3534, A replaced by C.
Protein change: p.Glu1178Asp; replaces glutamic acid 1178 with aspartic acid.
Molecular consequence: missense variant.
Genome position (GRCh38, 1-based): chr17:61,683,512, T>G on the plus strand (A>C on the coding strand, the complement: BRIP1 is on the minus strand). VCF-style: chr17-61683512-T-G. GRCh37 (hg19) VCF-style: chr17-59760873-T-G.
Other names: short protein forms E1178D.
Identifiers: ClinVar variation 3756497 (VCV003756497.2).

ClinVar aggregate classification (germline): Uncertain significance (1 of 4 stars; one submission).

Conditions:
Fanconi anemia complementation group J. Also called: BRIP1-Related Fanconi Anemia. Identifiers: Orphanet 84, MedGen C1836860, MONDO:0012187, OMIM 609054.
Familial cancer of breast. Also called: BREAST CANCER, FAMILIAL; Hereditary breast cancer; hereditary breast carcinoma. Identifiers: Orphanet 227535, MedGen C0346153, MONDO:0016419, OMIM 114480. Disease mechanism: loss of function.

Submission:

Labcorp Genetics (formerly Invitae), Labcorp
Classification: Uncertain significance for Familial cancer of breast; Fanconi anemia complementation group J. Last evaluated: 2025-06-16. Review status: criteria provided, single submitter. Criteria: Invitae Variant Classification Sherloc (09022015). Collection method: clinical testing. Allele origin: germline.
Comment: This sequence change replaces glutamic acid, which is acidic and polar, with aspartic acid, which is acidic and polar, at codon 1178 of the BRIP1 protein (p.Glu1178Asp). This variant is not present in population databases (gnomAD no frequency). This variant has not been reported in the literature in individuals affected with BRIP1-related conditions. ClinVar contains an entry for this variant (Variation ID: 3756497). Invitae Evidence Modeling of protein sequence and biophysical properties (such as structural, functional, and spatial information, amino acid conservation, physicochemical variation, residue mobility, and thermodynamic stability) indicates that this missense variant is not expected to disrupt BRIP1 protein function with a negative predictive value of 95%. In summary, the available evidence is currently insufficient to determine the role of this variant in disease. Therefore, it has been classified as a Variant of Uncertain Significance.